The following is an entry in ClinVar:

NM_022168.4(IFIH1):c.1826A>C (p.Glu609Ala)

Gene: IFIH1 (interferon induced with helicase C domain 1; minus strand). Cytogenetic location: 2q24.2.
Variant type: single nucleotide variant.
Coding change: c.1826A>C on transcript NM_022168.4 (MANE Select); coding-DNA position 1826, A replaced by C.
Protein change: p.Glu609Ala; replaces glutamic acid 609 with alanine.
Molecular consequence: missense variant.
Genome position (GRCh38, 1-based): chr2:162,277,633, T>G on the plus strand (A>C on the coding strand, the complement: IFIH1 is on the minus strand). VCF-style: chr2-162277633-T-G. GRCh37 (hg19) VCF-style: chr2-163134143-T-G.
Other names: short protein forms E609A.
Identifiers: ClinVar variation 5008087 (VCV005008087.1).

ClinVar aggregate classification (germline): Uncertain significance (1 of 4 stars; one submission).

Submission:

GeneDx
Classification: Uncertain significance. Last evaluated: 2026-03-06. Review status: criteria provided, single submitter. Criteria: GeneDx Variant Classification Process June 2021. Collection method: clinical testing. Allele origin: germline.
Comment: Not observed at significant frequency in large population cohorts (gnomAD); In silico analysis supports that this missense variant has a deleterious effect on protein structure/function; Has not been previously published as pathogenic or benign to our knowledge